The following is an entry in ClinVar:

NM_024757.5(EHMT1):c.355del (p.Val119fs)

Gene: EHMT1 (euchromatic histone lysine methyltransferase 1; plus strand). Cytogenetic location: 9q34.3.
Variant type: Deletion.
Coding change: c.355del on transcript NM_024757.5 (MANE Select); coding-DNA position 355, one base deleted (G; older notation c.355delG).
Protein change: p.Val119fs; shifts the reading frame from valine 119.
Molecular consequence: frameshift variant.
Genome position (GRCh38, 1-based): chr9:137,716,895, G deleted. VCF-style (leftmost placement, unchanged base first): chr9-137716894-TG-T. GRCh37 (hg19) VCF-style: chr9-140611346-TG-T.
Other names: c.355del, p.Val119fs (NM_001145527.2, NM_001354263.2, NM_001354611.2); c.262del, p.Val88fs (NM_001354259.2, NM_001354612.2); short protein forms V88fs, V119fs.
Identifiers: ClinVar variation 419249 (VCV000419249.2), dbSNP rs1064793748, ClinGen allele CA16618815.

ClinVar aggregate classification (germline): Pathogenic (1 of 4 stars; one submission).

Submission:

GeneDx
Classification: Pathogenic. Last evaluated: 2015-07-16. Review status: criteria provided, single submitter. Criteria: GeneDx Variant Classification (06012015). Collection method: clinical testing. Allele origin: germline. Affected: yes.
Comment: The c.355delG deletion in the EHMT1 gene has not been reported previously as a pathogenic variant nor as a benign polymorphism, to our knowledge. The c.355delG deletion causes a frameshiftstarting with codon Valine 119, changes this amino acid to a Serine residue, and creates a premature Stopcodon at position 9 of the new reading frame, denoted p.Val119SerfsX9 . This variant is predicted tocause loss of normal protein function either through protein truncation or nonsense-mediated mRNAdecay. Frameshift and other protein truncating variants downstream of this deletion have been reportedin the Human Gene Mutation Database in association with Kleefstra syndrome (Stenson et al., 2014),supporting the pathogenicity of more upstream truncating variants. The c.355delG deletion was notobserved in approximately 6500 individuals of European and African American ancestry in the NHLBIExome Sequencing Project, indicating it is not a common benign variant in these populations. We interpret c.355delG as a pathogenic variant.